The following is an entry in ClinVar:

ClinVar aggregate classification (germline): Uncertain significance (1 of 4 stars; one submission).

Conditions:
Nance-Horan syndrome (NHS). Identifiers: Orphanet 627, MedGen C0796085, MONDO:0010545, OMIM 302350.

Submission:

Labcorp Genetics (formerly Invitae), Labcorp
Classification: Uncertain significance for Nance-Horan syndrome. Last evaluated: 2024-06-22. Review status: criteria provided, single submitter. Criteria: Invitae Variant Classification Sherloc (09022015). Collection method: clinical testing. Allele origin: germline.
Comment: This sequence change replaces glycine, which is neutral and non-polar, with glutamic acid, which is acidic and polar, at codon 795 of the NHS protein (p.Gly795Glu). This variant is not present in population databases (gnomAD no frequency). This variant has not been reported in the literature in individuals affected with NHS-related conditions. Advanced modeling of protein sequence and biophysical properties (such as structural, functional, and spatial information, amino acid conservation, physicochemical variation, residue mobility, and thermodynamic stability) performed at Invitae indicates that this missense variant is not expected to disrupt NHS protein function with a negative predictive value of 80%. In summary, the available evidence is currently insufficient to determine the role of this variant in disease. Therefore, it has been classified as a Variant of Uncertain Significance.

NM_001291867.2(NHS):c.2447G>A (p.Gly816Glu)

Gene: NHS (NHS actin remodeling regulator; plus strand). Cytogenetic location: Xp22.13.
Variant type: single nucleotide variant.
Coding change: c.2447G>A on transcript NM_001291867.2 (MANE Select); coding-DNA position 2447, G replaced by A.
Protein change: p.Gly816Glu; replaces glycine 816 with glutamic acid.
Molecular consequence: missense variant.
Genome position (GRCh38, 1-based): chrX:17,726,553, G>A. VCF-style: chrX-17726553-G-A. GRCh37 (hg19) VCF-style: chrX-17744673-G-A.
Other names: c.1916G>A, p.Gly639Glu (NM_001136024.4); c.1853G>A, p.Gly618Glu (NM_001291868.2); c.2384G>A, p.Gly795Glu (NM_198270.4); short protein forms G795E, G618E, G639E, G816E.
Identifiers: ClinVar variation 3702628 (VCV003702628.2).